The following is an entry in ClinVar:

ClinVar aggregate classification (germline): Uncertain significance. Review status: reviewed by expert panel (3 of 4 stars). 4 submissions from 4 submitters: Uncertain significance (1). 3 of the submissions do not count toward it. Last evaluated 2023-04-05.

Conditions:
PALB2-related cancer predisposition. Identifiers: MedGen CN377761, MONDO:0700272.
Familial cancer of breast. Also called: BREAST CANCER, FAMILIAL; Hereditary breast cancer; hereditary breast carcinoma. Identifiers: Orphanet 227535, MedGen C0346153, MONDO:0016419, OMIM 114480. Disease mechanism: loss of function.
Hereditary cancer-predisposing syndrome. Also called: Tumor predisposition; Hereditary Cancer Syndrome; Hereditary neoplastic syndrome; Neoplastic Syndromes, Hereditary. Identifiers: Orphanet 140162, MedGen C0027672, MeSH D009386, MONDO:0015356.

Submissions (4):

ClinGen Hereditary Breast, Ovarian and Pancreatic Cancer Variant Curation Expert Panel, ClinGen
Classification: Uncertain significance for PALB2-related cancer predisposition. Last evaluated: 2023-04-05. Review status: reviewed by expert panel. Criteria: ClinGen HBOP VCEP ACMG Specifications PALB2 V1.0.0. Collection method: curation. Allele origin: germline. Inheritance: Autosomal dominant inheritance.
Comment: The c.82T>A variant in PALB2 is a missense variant predicted to cause substitution of tyrosine by asparagine at amino acid 28 (p.Tyr28Asn). This variant is absent from gnomAD v2.1.1. PALB2, in which the variant was identified, is defined by the HBOP VCEP as a gene for which primarily truncating variants are known to cause disease. In summary, this variant meets the criteria to be classified as a variant of uncertain significance for autosomal dominant hereditary breast and pancreatic cancer and autosomal recessive FANCN based on the ACMG/AMP criteria applied as specified by the HBOP VCEP (PM2_Supporting, BP1).

Labcorp Genetics (formerly Invitae), Labcorp
Classification: Uncertain significance for Familial cancer of breast. Last evaluated: 2025-12-17. Review status: criteria provided, single submitter. Criteria: Invitae Variant Classification Sherloc (09022015). Collection method: clinical testing. Allele origin: germline. Not counted in ClinVar's aggregate classification.
Comment: This sequence change replaces tyrosine, which is neutral and polar, with asparagine, which is neutral and polar, at codon 28 of the PALB2 protein (p.Tyr28Asn). This variant is not present in population databases (gnomAD no frequency). This variant has not been reported in the literature in individuals affected with PALB2-related conditions. ClinVar contains an entry for this variant (Variation ID: 410148). An algorithm developed to predict the effect of missense changes on protein structure and function (PolyPhen-2) suggests that this variant is likely to be disruptive. In summary, the available evidence is currently insufficient to determine the role of this variant in disease. Therefore, it has been classified as a Variant of Uncertain Significance.

Ambry Genetics
Classification: Uncertain significance for Hereditary cancer-predisposing syndrome. Last evaluated: 2024-09-02. Review status: criteria provided, single submitter. Criteria: Ambry Variant Classification Scheme 2023. Collection method: clinical testing. Allele origin: germline. Not counted in ClinVar's aggregate classification.
Comment: The p.Y28N variant (also known as c.82T>A), located in coding exon 2 of the PALB2 gene, results from a T to A substitution at nucleotide position 82. The tyrosine at codon 28 is replaced by asparagine, an amino acid with dissimilar properties. This amino acid position is highly conserved in available vertebrate species. In addition, the in silico prediction for this alteration is inconclusive. Since supporting evidence is limited at this time, the clinical significance of this alteration remains unclear.

Color Diagnostics, LLC DBA Color Health
Classification: Uncertain significance for Hereditary cancer-predisposing syndrome. Last evaluated: 2024-02-13. Review status: criteria provided, single submitter. Criteria: ACMG Guidelines, 2015. Collection method: clinical testing. Allele origin: germline. Not counted in ClinVar's aggregate classification.
Comment: This missense variant replaces tyrosine with asparagine at codon 28 of the PALB2 protein. Computational prediction suggests that this variant may not impact protein structure and function (internally defined REVEL score threshold <= 0.5, PMID: 27666373). To our knowledge, functional studies have not been reported for this variant. This variant has not been reported in individuals affected with PALB2-related disorders in the literature. This variant has not been identified in the general population by the Genome Aggregation Database (gnomAD). The available evidence is insufficient to determine the role of this variant in disease conclusively. Therefore, this variant is classified as a Variant of Uncertain Significance.

NM_024675.4(PALB2):c.82T>A (p.Tyr28Asn)

Gene: PALB2 (partner and localizer of BRCA2; minus strand). Cytogenetic location: 16p12.2.
Variant type: single nucleotide variant.
Coding change: c.82T>A on transcript NM_024675.4 (MANE Select); coding-DNA position 82, T replaced by A.
Protein change: p.Tyr28Asn; replaces tyrosine 28 with asparagine.
Molecular consequence: missense variant.
Genome position (GRCh38, 1-based): chr16:23,638,096, A>T on the plus strand (T>A on the coding strand, the complement: PALB2 is on the minus strand). VCF-style: chr16-23638096-A-T. GRCh37 (hg19) VCF-style: chr16-23649417-A-T.
Other names: NM_024675.3(PALB2):c.82T>A; p.Tyr28Asn; short protein forms Y28N.
Identifiers: ClinVar variation 410148 (VCV000410148.20), dbSNP rs1060502762, ClinGen allele CA16615316.